The following is an entry in ClinVar:

ClinVar aggregate classification (germline): Pathogenic (1 of 4 stars; one submission).

Conditions:
Neurofibromatosis, type 1 (NF1). Also called: VON RECKLINGHAUSEN DISEASE; NEUROFIBROMATOSIS, TYPE I, SOMATIC; Peripheral type neurofibromatosis; Neurofibromatosis, type I. Identifiers: Orphanet 636, MedGen C0027831, MONDO:0018975, OMIM 162200. Disease mechanism: loss of function.

Submission:

Clinical Genomics Laboratory, Washington University in St. Louis
Classification: Pathogenic for Neurofibromatosis, type 1. Last evaluated: 2026-03-19. Review status: criteria provided, single submitter. Criteria: Leon-Quintero et al. (Clin Genet. 2025). Collection method: clinical testing. Allele origin: somatic. Affected: yes.
Comment: An NF1 c.3854del (p.Met1285Argfs*24) variant was identified at an allelic fraction consistent with somatic origin. This variant, to our knowledge, has not been reported in the medical literature or in the ClinVar database. It is absent from the general population (gnomAD v4.1.0), indicating it is not a common variant. The NF1 c.3854del (p.Met1285Argfs*24) variant causes a frameshift by deleting a single nucleotide, leading to a premature termination codon, which is predicted to lead to nonsense mediated decay. Based on available information and an internally developed protocol informed by the ACMG/AMP guidelines for variant interpretation and gene-specific practices from the ClinGen Criteria Specification Registry (Leon-Quintero FZ et al., PMID: 39434542), the NF1 c.3854del (p.Met1285Argfs*24) variant is classified as pathogenic.

NM_001042492.3(NF1):c.3854del (p.Met1285fs)

Gene: NF1 (neurofibromin 1; plus strand). Cytogenetic location: 17q11.2.
Variant type: Deletion.
Coding change: c.3854del on transcript NM_001042492.3 (MANE Select); coding-DNA position 3854, one base deleted (T; older notation c.3854delT).
Protein change: p.Met1285fs; shifts the reading frame from methionine 1285.
Molecular consequence: frameshift variant.
Genome position (GRCh38, 1-based): chr17:31,235,756, T deleted. VCF-style (leftmost placement, unchanged base first): chr17-31235755-AT-A. GRCh37 (hg19) VCF-style: chr17-29562773-AT-A.
Other names: c.3854del, p.Met1285fs (NM_000267.4); short protein forms M1285fs.
Identifiers: ClinVar variation 4974561 (VCV004974561.1).
Genomic context (GRCh38, chr17:31,235,755, plus strand): 5'-GTAGAATTGGCAGACTCCATGCAGACTCTCTTCCGAGGCAACAGCTTGGCCAGTAAAATA[AT>A]GACATTCTGTTTCAAGGTTTGTATCATTCATTTTGTGTGTATGTGTGTGCTGAGGTATGT-3'